The following is an entry in ClinVar:

ClinVar aggregate classification (germline): Uncertain significance (1 of 4 stars; one submission).

Conditions:
SLC2A1-related disorder. Also called: SLC2A1-related condition; SLC2A1-related disorders.

Submission:

3billion
Classification: Uncertain significance for SLC2A1-related disorder. Last evaluated: 2025-02-17. Review status: criteria provided, single submitter. Criteria: ACMG Guidelines, 2015. Collection method: clinical testing. Allele origin: germline. Affected: yes.
Comment: The variant is not observed in the gnomAD v4.1.0 dataset. Predicted Consequence/Location: Missense variant In silico tool predictions suggest damaging effect of the variant on gene or gene product [REVEL: 0.79 (>=0.6, sensitivity 0.68 and specificity 0.92); 3Cnet: 0.95 (>=0.6, sensitivity 0.72 and precision 0.9)]. Therefore, this variant is classified as VUS according to the recommendation of ACMG/AMP guideline.

NM_006516.4(SLC2A1):c.868G>T (p.Val290Phe)

Gene: SLC2A1 (solute carrier family 2 member 1; minus strand). Cytogenetic location: 1p34.2.
Variant type: single nucleotide variant.
Coding change: c.868G>T on transcript NM_006516.4 (MANE Select); coding-DNA position 868, G replaced by T.
Protein change: p.Val290Phe; replaces valine 290 with phenylalanine.
Molecular consequence: missense variant.
Genome position (GRCh38, 1-based): chr1:42,929,314, C>A on the plus strand (G>T on the coding strand, the complement: SLC2A1 is on the minus strand). VCF-style: chr1-42929314-C-A. GRCh37 (hg19) VCF-style: chr1-43394985-C-A.
Other names: short protein forms V290F.
Identifiers: ClinVar variation 4294019 (VCV004294019.1).